The following is an entry in ClinVar:

NM_020822.3(KCNT1):c.3156+5T>C

Gene: KCNT1 (potassium sodium-activated channel subfamily T member 1; plus strand). Cytogenetic location: 9q34.3.
Variant type: single nucleotide variant.
Coding change: c.3156+5T>C on transcript NM_020822.3 (MANE Select); 5 bases into the intron after coding-DNA position 3156, T replaced by C.
Molecular consequence: intron variant.
Genome position (GRCh38, 1-based): chr9:135,784,894, T>C. VCF-style: chr9-135784894-T-C. GRCh37 (hg19) VCF-style: chr9-138676740-T-C.
Other names: c.3021+5T>C (NM_001272003.2).
Identifiers: ClinVar variation 1353808 (VCV001353808.8), dbSNP rs2131575991, ClinGen allele CA2573144186.
Genomic context (GRCh38, chr9:135,784,894, plus strand): 5'-CCGAGATCCCCATTGGCATCTACCGGACAGAGAGCCACGTCTTCTCCACCTCGGAGGTTC[T>C]GGGGCAGCCTGGGGGCTGGGACTGTGGCAGCCCCTGTCCTGTGTGACCCACAGCATCCCC-3'

ClinVar aggregate classification (germline): Uncertain significance (1 of 4 stars; one submission).

Conditions:
Autosomal dominant nocturnal frontal lobe epilepsy 5. Also called: Epilepsy, nocturnal frontal lobe, 5; CILIARY DYSKINESIA, PRIMARY, 28, WITHOUT SITUS INVERSUS; CILIARY DYSKINESIA, PRIMARY, 28, WITH SITUS INVERSUS; KCNT1-Related Epilepsy. Identifiers: Orphanet 98784, MedGen C3554306, MONDO:0014002, OMIM 615005.
Developmental and epileptic encephalopathy, 14 (DEE14). Also called: Early infantile epileptic encephalopathy 14. Identifiers: Orphanet 293181, MedGen C3554195, MONDO:0013989, OMIM 614959.

Submission:

Labcorp Genetics (formerly Invitae), Labcorp
Classification: Uncertain significance for Autosomal dominant nocturnal frontal lobe epilepsy 5; Developmental and epileptic encephalopathy, 14. Last evaluated: 2024-05-15. Review status: criteria provided, single submitter. Criteria: Invitae Variant Classification Sherloc (09022015). Collection method: clinical testing. Allele origin: germline.
Comment: This sequence change falls in intron 27 of the KCNT1 gene. It does not directly change the encoded amino acid sequence of the KCNT1 protein. It affects a nucleotide within the consensus splice site. This variant is not present in population databases (gnomAD no frequency). This variant has not been reported in the literature in individuals affected with KCNT1-related conditions. ClinVar contains an entry for this variant (Variation ID: 1353808). Variants that disrupt the consensus splice site are a relatively common cause of aberrant splicing (PMID: 17576681, 9536098). Algorithms developed to predict the effect of sequence changes on RNA splicing suggest that this variant is not likely to affect RNA splicing. In summary, the available evidence is currently insufficient to determine the role of this variant in disease. Therefore, it has been classified as a Variant of Uncertain Significance.

Literature cited by the submitters: PubMed 17576681; PubMed 9536098.